The following is an entry in ClinVar:

ClinVar aggregate classification (germline): Benign/Likely benign. Review status: criteria provided, multiple submitters, no conflicts (2 of 4 stars). 4 submissions from 4 submitters: Benign (2); Likely benign (1). 1 of the submissions does not count toward it. Last evaluated 2026-01-21.

Conditions:
DUOX2-related disorder. Also called: DUOX2-related condition.

Allele frequency attached by ClinVar (database versions not stated): gnomAD exomes 0.00086; ExAC 0.00098; ESP Exome Variant Server 0.00323; 1000 Genomes Project 30x 0.00406; 1000 Genomes Project 0.00419; TOPMed 0.00438.

Submissions (4):

Labcorp Genetics (formerly Invitae), Labcorp
Classification: Benign. Last evaluated: 2026-01-21. Review status: criteria provided, single submitter. Criteria: Invitae Variant Classification Sherloc (09022015). Collection method: clinical testing. Allele origin: germline.

CeGaT Center for Human Genetics Tuebingen
Classification: Likely benign. Last evaluated: 2025-10-01. Review status: criteria provided, single submitter. Criteria: CeGaT Center For Human Genetics Tuebingen Variant Classification Criteria Version 2. Collection method: clinical testing. Allele origin: germline. Affected: yes. Observed: 1 variant allele.
Comment: DUOX2: BP4, BS1

Breakthrough Genomics
Classification: Benign. Review status: criteria provided, single submitter. Criteria: ACMG Guidelines, 2015. Collection method: not provided. Allele origin: germline. Inheritance: Autosomal recessive inheritance. Affected: yes.

PreventionGenetics, part of Exact Sciences
Classification: Benign for DUOX2-related condition. Last evaluated: 2019-11-25. Review status: no assertion criteria provided. Collection method: clinical testing. Allele origin: germline. Not counted in ClinVar's aggregate classification.
Comment: This variant is classified as benign based on ACMG/AMP sequence variant interpretation guidelines (Richards et al. 2015 PMID: 25741868, with internal and published modifications).

NM_001363711.2(DUOX2):c.3055A>G (p.Met1019Val)

Gene: DUOX2 (dual oxidase 2; minus strand). Cytogenetic location: 15q21.1.
Variant type: single nucleotide variant.
Coding change: c.3055A>G on transcript NM_001363711.2 (MANE Select); coding-DNA position 3055, A replaced by G.
Protein change: p.Met1019Val; replaces methionine 1019 with valine.
Molecular consequence: missense variant.
Genome position (GRCh38, 1-based): chr15:45,100,179, T>C on the plus strand (A>G on the coding strand, the complement: DUOX2 is on the minus strand). VCF-style: chr15-45100179-T-C. GRCh37 (hg19) VCF-style: chr15-45392377-T-C.
Other names: c.3055A>G, p.Met1019Val (NM_014080.5); short protein forms M1019V.
Identifiers: ClinVar variation 708585 (VCV000708585.20), dbSNP rs148053632, ClinGen allele CA7538028.